The following is an entry in ClinVar:

NM_003632.3(CNTNAP1):c.2060-2A>C

Gene: CNTNAP1 (contactin associated protein 1; plus strand). Cytogenetic location: 17q21.2.
Variant type: single nucleotide variant.
Coding change: c.2060-2A>C on transcript NM_003632.3 (MANE Select); the canonical splice acceptor site of the intron before coding-DNA position 2060, A replaced by C.
Molecular consequence: splice acceptor variant.
Genome position (GRCh38, 1-based): chr17:42,691,135, A>C. VCF-style: chr17-42691135-A-C. GRCh37 (hg19) VCF-style: chr17-40843153-A-C.
Identifiers: ClinVar variation 1195032 (VCV001195032.2), dbSNP rs2143663531, ClinGen allele CA399645465.

ClinVar aggregate classification (germline): Pathogenic (1 of 4 stars; one submission).

Submission:

GeneDx
Classification: Pathogenic. Last evaluated: 2020-02-12. Review status: criteria provided, single submitter. Criteria: GeneDx Variant Classification Process June 2021. Collection method: clinical testing. Allele origin: germline. Affected: yes.
Comment: Canonical splice site variant predicted to result in a null allele in a gene for which loss-of-function is a known mechanism of disease; Not observed in large population cohorts (Lek et al., 2016); Has not been previously published as pathogenic or benign to our knowledge